The following is an entry in ClinVar:

NM_004370.6(COL12A1):c.3677T>G (p.Val1226Gly)

Gene: COL12A1 (collagen type XII alpha 1 chain; minus strand). Cytogenetic location: 6q13.
Variant type: single nucleotide variant.
Coding change: c.3677T>G on transcript NM_004370.6 (MANE Select); coding-DNA position 3677, T replaced by G.
Protein change: p.Val1226Gly; replaces valine 1226 with glycine.
Molecular consequence: missense variant.
Genome position (GRCh38, 1-based): chr6:75,152,371, A>C on the plus strand (T>G on the coding strand, the complement: COL12A1 is on the minus strand). VCF-style: chr6-75152371-A-C. GRCh37 (hg19) VCF-style: chr6-75862087-A-C.
Other names: c.3677T>G, p.Val1226Gly (NM_001424113.1, NM_001424114.1); c.3404T>G, p.Val1135Gly (NM_001424115.1); c.185T>G, p.Val62Gly (NM_001424116.1, NM_080645.3); short protein forms V1135G, V1226G, V62G.
Identifiers: ClinVar variation 3757887 (VCV003757887.2).

ClinVar aggregate classification (germline): Uncertain significance (1 of 4 stars; one submission).

Conditions:
Ullrich congenital muscular dystrophy 2 (UCMD2). Identifiers: Orphanet 75840, MedGen C4225314, MONDO:0014654, OMIM 616470.
Bethlem myopathy 2 (BTHLM2). Identifiers: Orphanet 536516, Orphanet 610, MedGen C4225313, MONDO:0034022, OMIM 616471.

Submission:

Labcorp Genetics (formerly Invitae), Labcorp
Classification: Uncertain significance for Bethlem myopathy 2; Ullrich congenital muscular dystrophy 2. Last evaluated: 2024-08-29. Review status: criteria provided, single submitter. Criteria: Invitae Variant Classification Sherloc (09022015). Collection method: clinical testing. Allele origin: germline.
Comment: This sequence change replaces valine, which is neutral and non-polar, with glycine, which is neutral and non-polar, at codon 1226 of the COL12A1 protein (p.Val1226Gly). This variant is not present in population databases (gnomAD no frequency). This variant has not been reported in the literature in individuals affected with COL12A1-related conditions. Invitae Evidence Modeling of protein sequence and biophysical properties (such as structural, functional, and spatial information, amino acid conservation, physicochemical variation, residue mobility, and thermodynamic stability) indicates that this missense variant is expected to disrupt COL12A1 protein function with a positive predictive value of 80%. In summary, the available evidence is currently insufficient to determine the role of this variant in disease. Therefore, it has been classified as a Variant of Uncertain Significance.